The following is an entry in ClinVar:

ClinVar aggregate classification (germline): Likely benign. Review status: criteria provided, multiple submitters, no conflicts (2 of 4 stars). 3 submissions from 3 submitters: Likely benign (2). 1 of the submissions does not count toward it. Last evaluated 2025-01-27.

Conditions:
CEP290-related disorder. Also called: CEP290-related condition; CEP290-related disorders. Identifiers: MedGen CN239314.
Nephronophthisis. Also called: Juvenile Nephronophthisis. Identifiers: Orphanet 655, MedGen C0687120, MONDO:0019005, HP:0000090.
Joubert syndrome. Also called: JOUBERT-BOLTSHAUSER SYNDROME; Familial aplasia of the vermis. Identifiers: Orphanet 475, MedGen C5979921, MONDO:0018772.
Meckel-Gruber syndrome. Also called: DYSENCEPHALIA SPLANCHNOCYSTICA; GRUBER SYNDROME; Dysencephalia splachnocystica. Identifiers: Orphanet 564, MedGen C0265215, MONDO:0018921.
Leber congenital amaurosis (LCA). Also called: Leber's amaurosis. Identifiers: Orphanet 65, MedGen C0339527, MeSH D057130, MONDO:0018998.

Allele frequency attached by ClinVar (database versions not stated): gnomAD exomes 0.00001; ExAC 0.00002; TOPMed 0.00002; gnomAD 0.00003 and 0.00004.

Submissions (3):

PreventionGenetics, part of Exact Sciences
Classification: Likely benign for CEP290-related condition. Last evaluated: 2025-01-27. Review status: criteria provided, single submitter. Criteria: ACMG Guidelines, 2015. Collection method: clinical testing. Allele origin: germline.
Comment: This variant is classified as likely benign based on ACMG/AMP sequence variant interpretation guidelines (Richards et al. 2015 PMID: 25741868, with internal and published modifications).

Labcorp Genetics (formerly Invitae), Labcorp
Classification: Likely benign for Joubert syndrome; Meckel-Gruber syndrome; Nephronophthisis. Last evaluated: 2024-01-29. Review status: criteria provided, single submitter. Criteria: Invitae Variant Classification Sherloc (09022015). Collection method: clinical testing. Allele origin: germline.

Natera, Inc.
Classification: Likely benign for Leber congenital amaurosis. Last evaluated: 2021-08-04. Review status: no assertion criteria provided. Collection method: clinical testing. Allele origin: germline. Not counted in ClinVar's aggregate classification.

NM_025114.4(CEP290):c.1905T>C (p.Asn635=)

Gene: CEP290 (centrosomal protein 290; minus strand). Cytogenetic location: 12q21.32.
Variant type: single nucleotide variant.
Coding change: c.1905T>C on transcript NM_025114.4 (MANE Select); coding-DNA position 1905, T replaced by C.
Protein change: p.Asn635=; no amino-acid change (asparagine 635 retained).
Molecular consequence: synonymous variant.
Genome position (GRCh38, 1-based): chr12:88,115,102, A>G on the plus strand (T>C on the coding strand, the complement: CEP290 is on the minus strand). VCF-style: chr12-88115102-A-G. GRCh37 (hg19) VCF-style: chr12-88508879-A-G.
Other names: c.1905T>C (NM_025114.3).
Identifiers: ClinVar variation 1154331 (VCV001154331.11), dbSNP rs778341097, ClinGen allele CA6712438.